The following is an entry in ClinVar:

ClinVar aggregate classification (germline): Uncertain significance (1 of 4 stars; one submission).

Submission:

GeneDx
Classification: Uncertain significance. Last evaluated: 2024-07-03. Review status: criteria provided, single submitter. Criteria: GeneDx Variant Classification Process June 2021. Collection method: clinical testing. Allele origin: germline. Affected: yes.
Comment: Not observed at significant frequency in large population cohorts (gnomAD); In silico analysis indicates that this missense variant does not alter protein structure/function; Has not been previously published as pathogenic or benign to our knowledge

NM_001170629.2(CHD8):c.4741G>T (p.Val1581Leu)

Gene: CHD8 (chromodomain helicase DNA binding protein 8; minus strand). Cytogenetic location: 14q11.2.
Variant type: single nucleotide variant.
Coding change: c.4741G>T on transcript NM_001170629.2 (MANE Select); coding-DNA position 4741, G replaced by T.
Protein change: p.Val1581Leu; replaces valine 1581 with leucine.
Molecular consequence: missense variant.
Genome position (GRCh38, 1-based): chr14:21,400,057, C>A on the plus strand (G>T on the coding strand, the complement: CHD8 is on the minus strand). VCF-style: chr14-21400057-C-A. GRCh37 (hg19) VCF-style: chr14-21868216-C-A.
Other names: c.3904G>T, p.Val1302Leu (NM_020920.4); short protein forms V1302L, V1581L.
Identifiers: ClinVar variation 3393757 (VCV003393757.1).